The following is an entry in ClinVar:

NC_000011.9:g.(?_88911122)_(88961158_?)del

Gene: TYR (tyrosinase; plus strand). Cytogenetic location: 11q14.3.
Variant type: Deletion.
Identifiers: ClinVar variation 3244730 (VCV003244730.1).

ClinVar aggregate classification (germline): Pathogenic (1 of 4 stars; one submission).

Submission:

Labcorp Genetics (formerly Invitae), Labcorp
Classification: Pathogenic. Last evaluated: 2023-10-16. Review status: criteria provided, single submitter. Criteria: Invitae Variant Classification Sherloc (09022015). Collection method: clinical testing. Allele origin: unknown.
Comment: This variant is a gross deletion of the genomic region encompassing exon(s) 1-3 of the TYR gene, which includes the initiator codon. This deletion extends beyond the assayed region for this gene and therefore may encompass additional genes. It is expected to result in an absent or disrupted protein product. Loss-of-function variants in TYR are known to be pathogenic (PMID: 23504663). This variant has not been reported in the literature in individuals affected with TYR-related conditions. For these reasons, this variant has been classified as Pathogenic.

Literature cited by the submitters: PubMed 23504663.